The following is an entry in ClinVar:

ClinVar aggregate classification (germline): Uncertain significance. Review status: criteria provided, multiple submitters, no conflicts (2 of 4 stars). 2 submissions from 2 submitters: Uncertain significance (2). Last evaluated 2026-01-12.

gnomAD v4.1: 16 of 1,614,198 alleles (0.00099%); highest among the groups gnomAD compares: Admixed American, 0.0033%; no homozygotes.

Submissions (2):

Labcorp Genetics (formerly Invitae), Labcorp
Classification: Uncertain significance. Last evaluated: 2026-01-12. Review status: criteria provided, single submitter. Criteria: Invitae Variant Classification Sherloc (09022015). Collection method: clinical testing. Allele origin: germline.
Comment: This sequence change replaces arginine, which is basic and polar, with glutamine, which is neutral and polar, at codon 570 of the CEP97 protein (p.Arg570Gln). This variant is present in population databases (no rsID available, gnomAD 0.003%). This variant has not been reported in the literature in individuals affected with CEP97-related conditions. ClinVar contains an entry for this variant (Variation ID: 3832127). Invitae Evidence Modeling of protein sequence and biophysical properties (such as structural, functional, and spatial information, amino acid conservation, physicochemical variation, residue mobility, and thermodynamic stability) indicates that this missense variant is expected to disrupt CEP97 protein function with a positive predictive value of 80%. In summary, the available evidence is currently insufficient to determine the role of this variant in disease. Therefore, it has been classified as a Variant of Uncertain Significance.

Ambry Genetics
Classification: Uncertain significance. Last evaluated: 2025-02-08. Review status: criteria provided, single submitter. Criteria: Ambry Variant Classification Scheme 2023. Collection method: clinical testing. Allele origin: germline.

NM_024548.4(CEP97):c.1709G>A (p.Arg570Gln)

Gene: CEP97 (centrosomal protein 97; plus strand). Cytogenetic location: 3q12.3.
Variant type: single nucleotide variant.
Coding change: c.1709G>A on transcript NM_024548.4 (MANE Select); coding-DNA position 1709, G replaced by A.
Protein change: p.Arg570Gln; replaces arginine 570 with glutamine.
Molecular consequence: missense variant.
Genome position (GRCh38, 1-based): chr3:101,758,315, G>A. VCF-style: chr3-101758315-G-A. GRCh37 (hg19) VCF-style: chr3-101477159-G-A.
Other names: c.1532G>A, p.Arg511Gln (NM_001303401.2); c.1607G>A, p.Arg536Gln (NM_001410784.1); c.1430G>A, p.Arg477Gln (NM_001410785.1); short protein forms R536Q, R570Q, R477Q, R511Q.
Identifiers: ClinVar variation 3832127 (VCV003832127.2).